The following is an entry in ClinVar:

ClinVar aggregate classification (germline): Uncertain significance. Review status: criteria provided, multiple submitters, no conflicts (2 of 4 stars). 2 submissions from 2 submitters: Uncertain significance (2). Last evaluated 2025-11-18.

Conditions:
Inborn genetic diseases. Identifiers: MedGen C0950123, MeSH D030342.

gnomAD v4.1: 3 of 1,612,960 alleles (0.00019%); highest among the groups gnomAD compares: Non-Finnish European, 0.00025%; no homozygotes.

Submissions (2):

Labcorp Genetics (formerly Invitae), Labcorp
Classification: Uncertain significance. Last evaluated: 2025-11-18. Review status: criteria provided, single submitter. Criteria: Invitae Variant Classification Sherloc (09022015). Collection method: clinical testing. Allele origin: germline.
Comment: This sequence change replaces proline, which is neutral and non-polar, with leucine, which is neutral and non-polar, at codon 645 of the CACNA2D4 protein (p.Pro645Leu). This variant is not present in population databases (gnomAD no frequency). This variant has not been reported in the literature in individuals affected with CACNA2D4-related conditions. ClinVar contains an entry for this variant (Variation ID: 2871876). An algorithm developed to predict the effect of missense changes on protein structure and function (PolyPhen-2) suggests that this variant is likely to be disruptive. In summary, the available evidence is currently insufficient to determine the role of this variant in disease. Therefore, it has been classified as a Variant of Uncertain Significance.

Ambry Genetics
Classification: Uncertain significance for Inborn genetic diseases. Last evaluated: 2025-09-11. Review status: criteria provided, single submitter. Criteria: Ambry Variant Classification Scheme 2023. Collection method: clinical testing. Allele origin: germline.

NM_172364.5(CACNA2D4):c.1934C>T (p.Pro645Leu)

Gene: CACNA2D4 (calcium voltage-gated channel auxiliary subunit alpha2delta 4; minus strand). Cytogenetic location: 12p13.33.
Variant type: single nucleotide variant.
Coding change: c.1934C>T on transcript NM_172364.5 (MANE Select); coding-DNA position 1934, C replaced by T.
Protein change: p.Pro645Leu; replaces proline 645 with leucine.
Molecular consequence: missense variant.
Genome position (GRCh38, 1-based): chr12:1,860,151, G>A on the plus strand (C>T on the coding strand, the complement: CACNA2D4 is on the minus strand). VCF-style: chr12-1860151-G-A. GRCh37 (hg19) VCF-style: chr12-1969317-G-A.
Other names: c.1934C>T (NM_172364.4); short protein forms P645L.
Identifiers: ClinVar variation 2871876 (VCV002871876.4), dbSNP rs1263670407, ClinGen allele CA383350191.
Genomic context (GRCh38, chr12:1,860,151, plus strand): 5'-GCTGGTATTCATGTTCAACCCTCACCCCGTGCAAATAAAGCCTGTGTCCCTCACCTGAAA[G>A]GGGTGTCGCTGATGTCCGTGAAGAAGTAGTCATTGGTCAGGAAAAGAACTCGCTTCTGAA-3'
Protein context (NP_758952.4, residues 635-655): DYFFTDISDT[Pro645Leu]FSLGVVLSRG